The following is an entry in ClinVar:

ClinVar aggregate classification (germline): Uncertain significance. Review status: criteria provided, multiple submitters, no conflicts (2 of 4 stars). 2 submissions from 2 submitters: Uncertain significance (2). Last evaluated 2024-04-01.

Conditions:
Hennekam lymphangiectasia-lymphedema syndrome 2 (HKLLS2). Identifiers: Orphanet 2136, MedGen C4014939, MONDO:0014454, OMIM 616006.
Van Maldergem syndrome 2 (VMLDS2). Identifiers: Orphanet 314679, MedGen C3809875, MONDO:0014242, OMIM 615546.

gnomAD v4.1: 1 of 1,614,202 alleles (0.000062%); no homozygotes.

Submissions (2):

Fulgent Genetics
Classification: Uncertain significance for Van Maldergem syndrome 2; Hennekam lymphangiectasia-lymphedema syndrome 2. Last evaluated: 2024-04-01. Review status: criteria provided, single submitter. Criteria: ACMG Guidelines, 2015. Collection method: clinical testing. Allele origin: germline.

Labcorp Genetics (formerly Invitae), Labcorp
Classification: Uncertain significance. Last evaluated: 2022-07-12. Review status: criteria provided, single submitter. Criteria: Invitae Variant Classification Sherloc (09022015). Collection method: clinical testing. Allele origin: germline.
Comment: This sequence change replaces glutamic acid, which is acidic and polar, with glutamine, which is neutral and polar, at codon 3571 of the FAT4 protein (p.Glu3571Gln). This variant is present in population databases (no rsID available, gnomAD no frequency). This variant has not been reported in the literature in individuals affected with FAT4-related conditions. Advanced modeling of protein sequence and biophysical properties (such as structural, functional, and spatial information, amino acid conservation, physicochemical variation, residue mobility, and thermodynamic stability) performed at Invitae indicates that this missense variant is not expected to disrupt FAT4 protein function. In summary, the available evidence is currently insufficient to determine the role of this variant in disease. Therefore, it has been classified as a Variant of Uncertain Significance.

NM_001291303.3(FAT4):c.10717G>C (p.Glu3573Gln)

Gene: FAT4 (FAT atypical cadherin 4; plus strand). Cytogenetic location: 4q28.1.
Variant type: single nucleotide variant.
Coding change: c.10717G>C on transcript NM_001291303.3 (MANE Select); coding-DNA position 10717, G replaced by C.
Protein change: p.Glu3573Gln; replaces glutamic acid 3573 with glutamine.
Molecular consequence: missense variant.
Genome position (GRCh38, 1-based): chr4:125,451,727, G>C. VCF-style: chr4-125451727-G-C. GRCh37 (hg19) VCF-style: chr4-126372882-G-C.
Other names: c.10711G>C (NM_024582.5); c.10717G>C, p.Glu3573Gln (NM_001291285.3); c.10711G>C, p.Glu3571Gln (NM_024582.6); short protein forms E3571Q, E3573Q.
Identifiers: ClinVar variation 2085903 (VCV002085903.5), dbSNP rs1391199691, ClinGen allele CA358159500.